The following is an entry in ClinVar:

ClinVar aggregate classification (germline): Benign. Review status: criteria provided, single submitter (1 of 4 stars). 2 submissions from 2 submitters: Benign (1). 1 of the submissions does not count toward it. Last evaluated 2019-12-31.

Conditions:
SRGAP3-related disorder. Also called: SRGAP3-related condition.

Allele frequency attached by ClinVar (database versions not stated): gnomAD exomes 0.00123; ExAC 0.00158; ESP Exome Variant Server 0.00372; gnomAD 0.00486 and 0.00525; 1000 Genomes Project 0.00519; 1000 Genomes Project 30x 0.00531; TOPMed 0.00581.
gnomAD v4.1: 1,445 of 1,611,726 alleles (0.09%); highest among the groups gnomAD compares: African/African-American, 1.6%; 14 homozygotes.

Submissions (2):

Labcorp Genetics (formerly Invitae), Labcorp
Classification: Benign. Last evaluated: 2019-12-31. Review status: criteria provided, single submitter. Criteria: Invitae Variant Classification Sherloc (09022015). Collection method: clinical testing. Allele origin: germline.

PreventionGenetics, part of Exact Sciences
Classification: Benign for SRGAP3-related condition. Last evaluated: 2019-05-01. Review status: no assertion criteria provided. Collection method: clinical testing. Allele origin: germline. Not counted in ClinVar's aggregate classification.
Comment: This variant is classified as benign based on ACMG/AMP sequence variant interpretation guidelines (Richards et al. 2015 PMID: 25741868, with internal and published modifications).

NM_014850.4(SRGAP3):c.2680A>G (p.Ser894Gly)

Gene: SRGAP3 (SLIT-ROBO Rho GTPase activating protein 3; minus strand). Cytogenetic location: 3p25.3.
Variant type: single nucleotide variant.
Coding change: c.2680A>G on transcript NM_014850.4 (MANE Select); coding-DNA position 2680, A replaced by G.
Protein change: p.Ser894Gly; replaces serine 894 with glycine.
Molecular consequence: missense variant.
Genome position (GRCh38, 1-based): chr3:8,990,718, T>C on the plus strand (A>G on the coding strand, the complement: SRGAP3 is on the minus strand). VCF-style: chr3-8990718-T-C. GRCh37 (hg19) VCF-style: chr3-9032402-T-C.
Other names: c.2608A>G, p.Ser870Gly (NM_001033117.3); short protein forms S870G, S894G.
Identifiers: ClinVar variation 729048 (VCV000729048.6), dbSNP rs200165462, ClinGen allele CA2237394.